The following is an entry in ClinVar:

NM_001015880.2(PAPSS2):c.1064G>C (p.Cys355Ser)

Gene: PAPSS2 (3'-phosphoadenosine 5'-phosphosulfate synthase 2; plus strand). Cytogenetic location: 10q23.31.
Variant type: single nucleotide variant.
Coding change: c.1064G>C on transcript NM_001015880.2 (MANE Select); coding-DNA position 1064, G replaced by C.
Protein change: p.Cys355Ser; replaces cysteine 355 with serine.
Molecular consequence: missense variant.
Genome position (GRCh38, 1-based): chr10:87,727,467, G>C. VCF-style: chr10-87727467-G-C. GRCh37 (hg19) VCF-style: chr10-89487224-G-C.
Other names: c.1049G>C, p.Cys350Ser (NM_004670.4); short protein forms C350S, C355S.
Identifiers: ClinVar variation 1490855 (VCV001490855.8), dbSNP rs1395925746, ClinGen allele CA377489657.
Genomic context (GRCh38, chr10:87,727,467, plus strand): 5'-ACGCTGAATTCTATGAACACAGAAAAGAGGAACGCTGTTCCCGTGTTTGGGGGACAACAT[G>C]TACAAAACACCCCCATATCAAAGTAAGTCACAAAACCTTTGGAAGGACTTTCTTGAGCTA-3'
Protein context (NP_001015880.1, residues 345-365): ERCSRVWGTT[Cys355Ser]TKHPHIKMVM

ClinVar aggregate classification (germline): Uncertain significance (1 of 4 stars; one submission).

Conditions:
Spondyloepimetaphyseal dysplasia, PAPSS2 type. Also called: SEMD, PAKISTANI TYPE; BRACHYOLMIA TYPE 4 WITH MILD EPIPHYSEAL AND METAPHYSEAL CHANGES; SPONDYLODYSPLASIA AND PREMATURE PUBARCHE. Identifiers: Orphanet 93282, MedGen C2748516, MONDO:0019666, OMIM 612847.

Allele frequency attached by ClinVar (database versions not stated): TOPMed below 0.00001; gnomAD 0.00001.
gnomAD v4.1: 1 of 1,613,252 alleles (0.000062%); highest among the groups gnomAD compares: Non-Finnish European, 0.000085%; no homozygotes.

Submission:

Labcorp Genetics (formerly Invitae), Labcorp
Classification: Uncertain significance for Spondyloepimetaphyseal dysplasia, PAPSS2 type. Last evaluated: 2020-12-25. Review status: criteria provided, single submitter. Criteria: Invitae Variant Classification Sherloc (09022015). Collection method: clinical testing. Allele origin: germline.
Comment: This sequence change replaces cysteine with serine at codon 355 of the PAPSS2 protein (p.Cys355Ser). The cysteine residue is moderately conserved and there is a moderate physicochemical difference between cysteine and serine. This variant is not present in population databases (ExAC no frequency). This variant has not been reported in the literature in individuals with PAPSS2-related conditions. Algorithms developed to predict the effect of missense changes on protein structure and function output the following: SIFT: "Tolerated"; PolyPhen-2: "Benign"; Align-GVGD: "Class C0". The serine amino acid residue is found in multiple mammalian species, suggesting that this missense change does not adversely affect protein function. These predictions have not been confirmed by published functional studies and their clinical significance is uncertain. In summary, the available evidence is currently insufficient to determine the role of this variant in disease. Therefore, it has been classified as a Variant of Uncertain Significance.